The following is an entry in ClinVar:

NM_001203.3(BMPR1B):c.1457G>A (p.Arg486Gln)

Gene: BMPR1B (bone morphogenetic protein receptor type 1B; plus strand). Cytogenetic location: 4q22.3.
Variant type: single nucleotide variant.
Coding change: c.1457G>A on transcript NM_001203.3 (MANE Select); coding-DNA position 1457, G replaced by A.
Protein change: p.Arg486Gln; replaces arginine 486 with glutamine.
Molecular consequence: missense variant.
Genome position (GRCh38, 1-based): chr4:95,154,621, G>A. VCF-style: chr4-95154621-G-A. GRCh37 (hg19) VCF-style: chr4-96075772-G-A.
Other names: c.1457G>A, p.Arg486Gln (NM_001256792.2, NM_001256794.1); c.1547G>A, p.Arg516Gln (NM_001256793.2); c.1457G>A (NM_001203.2); short protein forms R486Q, R516Q.
Identifiers: ClinVar variation 6558 (VCV000006558.3), dbSNP rs121434419, ClinGen allele CA118355.

ClinVar aggregate classification (germline): Likely pathogenic. Review status: criteria provided, single submitter (1 of 4 stars). 2 submissions from 2 submitters: Likely pathogenic (1). 1 of the submissions does not count toward it. Last evaluated 2023-08-16.

Conditions:
BMPR1B-related disorder. Also called: BMPR1B-related condition.
Type A2 brachydactyly (BDA2). Also called: Brachymesophalangy type 2; MOHR-WRIEDT TYPE BRACHYDACTYLY; BRACHYMESOPHALANGY II. Identifiers: Orphanet 93396, MedGen C1832702, MONDO:0007216, OMIM 112600, HP:0009372.

Submissions (2):

PreventionGenetics, part of Exact Sciences
Classification: Likely pathogenic for BMPR1B-related condition. Last evaluated: 2023-08-16. Review status: criteria provided, single submitter. Criteria: ACMG Guidelines, 2015. Collection method: clinical testing. Allele origin: germline.
Comment: The BMPR1B c.1457G>A variant is predicted to result in the amino acid substitution p.Arg486Gln. This variant was reported in two individuals with brachydactyly type A1 and A2 (Lehmann. 2006. PubMed ID: 16957682). Experimental studies were consistent with the p.Arg486Gln substitution having a deleterious effect on protein function (Lehmann. 2006. PubMed ID: 16957682). This variant has not been reported in a large population database, indicating this variant is rare. Two alternative amino acid substitutions at this position (Trp, Leu) have also been reported in patients with brachydactyly, being de novo in one patient (Bednarek. 2021. PubMed ID: 33486847; Badura-Stronka. 2015. PubMed ID: 25776145). This variant is interpreted as likely pathogenic.

OMIM
Classification: Pathogenic for BRACHYDACTYLY, TYPE A2. Last evaluated: 2006-12-01. Review status: no assertion criteria provided. Collection method: literature only. Allele origin: germline. Not counted in ClinVar's aggregate classification.

Literature cited by the submitters: PubMed 16957682 (cited by OMIM).